The following is an entry in ClinVar:

NM_000059.4(BRCA2):c.1631C>T (p.Thr544Ile)

Gene: BRCA2 (BRCA2 DNA repair associated; plus strand). Cytogenetic location: 13q13.1.
Variant type: single nucleotide variant.
Coding change: c.1631C>T on transcript NM_000059.4 (MANE Select); coding-DNA position 1631, C replaced by T.
Protein change: p.Thr544Ile; replaces threonine 544 with isoleucine.
Molecular consequence: missense variant.
Genome position (GRCh38, 1-based): chr13:32,333,109, C>T. VCF-style: chr13-32333109-C-T. GRCh37 (hg19) VCF-style: chr13-32907246-C-T.
Other names: p.T544I:ACT>ATT; 1859C>T; short protein forms T544I.
Identifiers: ClinVar variation 51160 (VCV000051160.40), dbSNP rs80358448, ClinGen allele CA012696.

ClinVar aggregate classification (germline): Conflicting classifications of pathogenicity. Review status: criteria provided, conflicting classifications (1 of 4 stars). 14 submissions from 14 submitters: Uncertain significance (1); Benign (1); Likely benign (9). 3 of the submissions do not count toward it. Last evaluated 2026-01-19.

Conditions:
BRCA2-related disorder. Also called: BRCA2-related condition; BRCA2-related disorders. Identifiers: MedGen CN239275.
Hereditary cancer-predisposing syndrome. Also called: Hereditary Cancer Syndrome; Neoplastic Syndromes, Hereditary; Hereditary neoplastic syndrome; Tumor predisposition. Identifiers: Orphanet 140162, MedGen C0027672, MeSH D009386, MONDO:0015356.
Hereditary breast ovarian cancer syndrome. Also called: Hereditary breast and ovarian cancer syndrome; Breast and ovarian cancer; BRCA1- and BRCA2-Associated Hereditary Breast and Ovarian Cancer; Hereditary breast and/or ovarian cancer syndrome; Hereditary breast and ovarian cancer; Hereditary breast and ovarian cancer syndrome (HBOC). Identifiers: Orphanet 145, MedGen C0677776, MeSH D061325, MONDO:0003582. Disease mechanism: loss of function.
Breast-ovarian cancer, familial, susceptibility to, 2 (BROVCA2). Also called: BRCA2 Hereditary Breast and Ovarian Cancer. Identifiers: Orphanet 145, MedGen C2675520, MONDO:0012933, OMIM 612555. Disease mechanism: loss of function.

Allele frequency attached by ClinVar (database versions not stated): ExAC 0.00001; gnomAD exomes 0.00002 and 0.00003; gnomAD 0.00003; TOPMed 0.00005; ESP Exome Variant Server 0.00008.
gnomAD v4.1: 46 of 1,613,846 alleles (0.0029%); highest among the groups gnomAD compares: Non-Finnish European, 0.0035%; no homozygotes.

Submissions (14):

Labcorp Genetics (formerly Invitae), Labcorp
Classification: Likely benign for Hereditary breast ovarian cancer syndrome. Last evaluated: 2026-01-19. Review status: criteria provided, single submitter. Criteria: Invitae Variant Classification Sherloc (09022015). Collection method: clinical testing. Allele origin: germline.

Women's Health and Genetics/Laboratory Corporation of America, LabCorp
Classification: Likely benign. Last evaluated: 2025-08-28. Review status: criteria provided, single submitter. Criteria: LabCorp Variant Classification Summary - May 2015. Collection method: clinical testing. Allele origin: germline.
Comment: Variant summary: BRCA2 c.1631C>T (p.Thr544Ile) results in a non-conservative amino acid change in the encoded protein sequence. Algorithms developed to predict the effect of missense changes on protein structure and function are either unavailable or do not agree on the potential impact of this missense change. The variant allele was found at a frequency of 2e-05 in 251030 control chromosomes. The available data on variant occurrences in the general population are insufficient to allow any conclusion about variant significance. However, this variant has also been reported in 2/7325 European American women who were older than age 70, and cancer free (in the FLOSSIES database). c.1631C>T has been reported in the literature in sequencing studies with variable cohort characteristics, e.g. nonmucinous ovarian carcinoma (Alsop_2012), prostate cancer (Kote-Jarai_2011), positive family history of pancreatic cancer (Zhen_2015), exome and genome sequencing studies (Zhang_2015). In a large case-control study evaluating breast cancer (BrC) cases and controls in the Breast Cancer Association Consortium (BCAC) the variant was reported in 2/60466 cases and 1/53461 controls (Dorling_2021). These reports do not provide unequivocal conclusions about association of the variant with Hereditary Breast and Ovarian Cancer. Co-occurrences with other pathogenic variants have been reported (BRCA1 c.3756_3759delGTCT (p.Ser1253fs*10) in the UMD database; BRCA1 exon 12 dup in the BIC database; and a non-specified pathogenic variant in the BRCA1/2 gene, Alsop_2012), providing supporting evidence for a benign role. To our knowledge, no experimental evidence demonstrating an impact on protein function has been reported. The following publications have been ascertained in the context of this evaluation (PMID: 22711857, 34326862, 33471991, 24817641, 21952622, 31131967, 26580448, 25356972). ClinVar contains an entry for this variant (Variation ID: 51160). Based on the evidence outlined above, the variant was classified as likely benign.

Molecular Pathology, Peter Maccallum Cancer Centre
Classification: Likely benign for Breast-ovarian cancer, familial, susceptibility to, 2. Last evaluated: 2024-12-16. Review status: criteria provided, single submitter. Criteria: ACMG Guidelines, 2015. Collection method: clinical testing. Allele origin: germline. Inheritance: Autosomal dominant inheritance.

PreventionGenetics, part of Exact Sciences
Classification: Likely benign for BRCA2-related condition. Last evaluated: 2024-12-14. Review status: criteria provided, single submitter. Criteria: ACMG Guidelines, 2015. Collection method: clinical testing. Allele origin: germline.
Comment: This variant is classified as likely benign based on ACMG/AMP sequence variant interpretation guidelines (Richards et al. 2015 PMID: 25741868, with internal and published modifications).

Quest Diagnostics Nichols Institute San Juan Capistrano
Classification: Likely benign. Last evaluated: 2024-12-10. Review status: criteria provided, single submitter. Criteria: Quest Diagnostics criteria. Collection method: clinical testing. Allele origin: unknown.

ARUP Laboratories, Molecular Genetics and Genomics, ARUP Laboratories
Classification: Likely benign. Last evaluated: 2024-08-09. Review status: criteria provided, single submitter. Criteria: ARUP Molecular Germline Variant Investigation Process 2024. Collection method: clinical testing. Allele origin: germline.

University of Washington Department of Laboratory Medicine, University of Washington
Classification: Likely benign for Hereditary cancer-predisposing syndrome. Last evaluated: 2023-03-23. Review status: criteria provided, single submitter. Criteria: Dines et al. (Genet Med. 2020). Collection method: curation. Allele origin: germline.
Comment: Missense variant in a coldspot region where missense variants are very unlikely to be pathogenic (PMID:31911673).

BRCA2 exon 10 coldspot. Reclassification based on statistical prior probability.

Sema4
Classification: Uncertain significance for Hereditary cancer-predisposing syndrome. Last evaluated: 2021-06-28. Review status: criteria provided, single submitter. Criteria: Sema4 Curation Guidelines. Collection method: curation. Allele origin: germline.
Comment: The BRCA2 c.1631C>T (p.T544I) variant has been reported in individuals with pancreatic cancer, ovarian carcinoma, and prostate cancer (PMIDs 25356972, 22711857, 21952622) but is reported to have a likelihood for being benign using a multifactorial likelihood analysis (OR of causality 0.96 and prior probability of pathogenicity score of 0.02) (PMID 31131967). This variant was observed in 1/24948 chromosomes in African/African American population, according to the Genome Aggregation Database (PMID: 32461654). This variant has been reported in ClinVar (Variation ID 51160). In silico tools suggest the impact of the variant on protein function is inconclusive, though these predictions have not been confirmed by functional studies. The overall evidence is insufficient to meet ACMG/AMP criteria for classifying it as benign or pathogenic. In summary, the clinical significance of this variant is currently uncertain.

GeneDx
Classification: Likely benign. Last evaluated: 2020-12-15. Review status: criteria provided, single submitter. Criteria: GeneDx Variant Classification Process June 2021. Collection method: clinical testing. Allele origin: germline. Affected: yes.
Comment: This variant is associated with the following publications: (PMID: 22711857, 26580448, 25356972, 24817641, 25348012, 21952622)

Ambry Genetics
Classification: Likely benign for Hereditary cancer-predisposing syndrome. Last evaluated: 2018-05-23. Review status: criteria provided, single submitter. Criteria: Ambry Variant Classification Scheme 2023. Collection method: clinical testing. Allele origin: germline.

Color Diagnostics, LLC DBA Color Health
Classification: Benign for Hereditary cancer-predisposing syndrome. Last evaluated: 2015-11-16. Review status: criteria provided, single submitter. Criteria: ACMG Guidelines, 2015. Collection method: clinical testing. Allele origin: germline.

Counsyl
Classification: Uncertain significance for Breast-ovarian cancer, familial, susceptibility to, 2. Last evaluated: 2016-02-25. Review status: no assertion criteria provided. Collection method: clinical testing. Allele origin: unknown. Not counted in ClinVar's aggregate classification.

Sharing Clinical Reports Project (SCRP)
Classification: Likely benign for Breast-ovarian cancer, familial 2. Last evaluated: 2012-05-01. Review status: no assertion criteria provided. Collection method: clinical testing. Allele origin: germline. Not counted in ClinVar's aggregate classification.

Breast Cancer Information Core (BIC) (BRCA2)
Classification: Uncertain significance for Breast-ovarian cancer, familial 2. Last evaluated: 1999-04-12. Review status: no assertion criteria provided. Collection method: clinical testing. Allele origin: germline. Affected: yes. Observed: 4 variant alleles. Not counted in ClinVar's aggregate classification.

Literature cited by the submitters: PubMed 22711857 (cited by 3 submitters); PubMed 21952622 (cited by 3 submitters); PubMed 24817641 (cited by 3 submitters); PubMed 25356972 (cited by 3 submitters); PubMed 26580448 (cited by 3 submitters); PubMed 31131967 (cited by Women's Health and Genetics/Laboratory Corporation of America, LabCorp and Sema4); PubMed 33471991 (cited by Women's Health and Genetics/Laboratory Corporation of America, LabCorp and Quest Diagnostics Nichols Institute San Juan Capistrano); PubMed 34326862 (cited by Women's Health and Genetics/Laboratory Corporation of America, LabCorp and Quest Diagnostics Nichols Institute San Juan Capistrano); PubMed 31911673 (cited by Quest Diagnostics Nichols Institute San Juan Capistrano); PubMed 25348012 (cited by Counsyl).